The following is an entry in ClinVar:

ClinVar aggregate classification (germline): Pathogenic (1 of 4 stars; one submission).

Conditions:
Dyskeratosis congenita, autosomal recessive 5 (DKCB5). Identifiers: MedGen C3554656, MONDO:0014076, OMIM 615190.
Pulmonary fibrosis and/or bone marrow failure, Telomere-related, 3. Also called: PULMONARY FIBROSIS AND/OR BONE MARROW FAILURE SYNDROME, TELOMERE-RELATED, 3. Identifiers: Orphanet 2032, MedGen C4225346, MONDO:0014613, OMIM 616373.

Allele frequency attached by ClinVar (database versions not stated): gnomAD exomes below 0.00001; gnomAD 0.00001.
gnomAD v4.1: 2 of 1,611,884 alleles (0.00012%); highest among the groups gnomAD compares: East Asian, 0.0022%; no homozygotes.

Submission:

Labcorp Genetics (formerly Invitae), Labcorp
Classification: Pathogenic for Dyskeratosis congenita, autosomal recessive 5; Pulmonary fibrosis and/or bone marrow failure, Telomere-related, 3. Last evaluated: 2020-05-30. Review status: criteria provided, single submitter. Criteria: Invitae Variant Classification Sherloc (09022015). Collection method: clinical testing. Allele origin: germline.
Comment: This variant has not been reported in the literature in individuals with RTEL1-related conditions. This variant is not present in population databases (ExAC no frequency). This sequence change creates a premature translational stop signal (p.Gln1256*) in the RTEL1 gene. It is expected to result in an absent or disrupted protein product. For these reasons, this variant has been classified as Pathogenic. Loss-of-function variants in RTEL1 are known to be pathogenic (PMID: 23453664, 23959892, 25607374).

Literature cited by the submitters: PubMed 23453664; PubMed 23959892; PubMed 25607374.

NM_001283009.2(RTEL1):c.3766C>T (p.Gln1256Ter)

Genes: RTEL1 (regulator of telomere elongation helicase 1; plus strand), RTEL1-TNFRSF6B (RTEL1-TNFRSF6B readthrough (NMD candidate); plus strand). Cytogenetic location: 20q13.33.
Variant type: single nucleotide variant.
Coding change: c.3766C>T on transcript NM_001283009.2 (MANE Select); coding-DNA position 3766, C replaced by T.
Protein change: p.Gln1256Ter; replaces glutamine 1256 with a stop codon.
Molecular consequence: nonsense. On other transcripts: non-coding transcript variant (1), intron variant (3).
Genome position (GRCh38, 1-based): chr20:63,695,594, C>T. VCF-style: chr20-63695594-C-T. GRCh37 (hg19) VCF-style: chr20-62326947-C-T.
Other names: c.2983+114C>T (NM_001283010.1); c.3724+114C>T (NM_032957.5); c.3652+114C>T (NM_016434.4); short protein forms Q1256*.
Identifiers: ClinVar variation 1071913 (VCV001071913.7), dbSNP rs1385101139, ClinGen allele CA409710255.
Genomic context (GRCh38, chr20:63,695,594, plus strand): 5'-GGGCCCCTCTCAGCAGGCTGTGTGTGCCAGGGCTGTGGGGCAGAGGACGTGGTGCCCTTC[C>T]AGTGCCCTGCCTGTGACTTCCAGCGCTGCCAAGCCTGCTGGCAACGGCACCTTCAGGTTG-3'